The following is an entry in ClinVar:

NM_001370259.2(MEN1):c.230A>T (p.Tyr77Phe)

Gene: MEN1 (menin 1; minus strand). Cytogenetic location: 11q13.1.
Variant type: single nucleotide variant.
Coding change: c.230A>T on transcript NM_001370259.2 (MANE Select); coding-DNA position 230, A replaced by T.
Protein change: p.Tyr77Phe; replaces tyrosine 77 with phenylalanine.
Molecular consequence: missense variant. On other transcripts: non-coding transcript variant (4).
Genome position (GRCh38, 1-based): chr11:64,809,880, T>A on the plus strand (A>T on the coding strand, the complement: MEN1 is on the minus strand). VCF-style: chr11-64809880-T-A. GRCh37 (hg19) VCF-style: chr11-64577352-T-A.
Other names: c.230A>T, p.Tyr77Phe (NM_000244.4, NM_001370251.2, NM_001370260.2 and 20 more transcripts); short protein forms Y77F.
Identifiers: ClinVar variation 5024302 (VCV005024302.1).

ClinVar aggregate classification (germline): Uncertain significance (1 of 4 stars; one submission).

Conditions:
Hereditary cancer-predisposing syndrome. Also called: Neoplastic Syndromes, Hereditary; Tumor predisposition; Hereditary neoplastic syndrome; Hereditary Cancer Syndrome. Identifiers: Orphanet 140162, MedGen C0027672, MeSH D009386, MONDO:0015356.

Submission:

Ambry Genetics
Classification: Uncertain significance for Hereditary cancer-predisposing syndrome. Last evaluated: 2026-08-12. Review status: criteria provided, single submitter. Criteria: Ambry Variant Classification Scheme 2023. Collection method: clinical testing. Allele origin: germline.
Comment: The p.Y77F variant (also known as c.230A>T), located in coding exon 1 of the MEN1 gene, results from an A to T substitution at nucleotide position 230. The tyrosine at codon 77 is replaced by phenylalanine, an amino acid with highly similar properties. This amino acid position is conserved. In addition, the in silico prediction for this alteration is inconclusive. Based on the available evidence, the clinical significance of this variant remains unclear.